The following is an entry in ClinVar:

ClinVar aggregate classification (germline): Pathogenic (1 of 4 stars; one submission).

gnomAD v4.1: 13 of 1,613,604 alleles (0.00081%); highest among the groups gnomAD compares: African/African-American, 0.0027%; no homozygotes.

Submission:

Labcorp Genetics (formerly Invitae), Labcorp
Classification: Pathogenic. Last evaluated: 2025-07-30. Review status: criteria provided, single submitter. Criteria: Invitae Variant Classification Sherloc (09022015). Collection method: clinical testing. Allele origin: germline.
Comment: This sequence change creates a premature translational stop signal (p.Arg303*) in the POLR1C gene. While this is not anticipated to result in nonsense mediated decay, it is expected to disrupt the last 44 amino acid(s) of the POLR1C protein. This variant is present in population databases (rs563473186, gnomAD 0.008%). This variant has not been reported in the literature in individuals affected with POLR1C-related conditions. Algorithms developed to predict the effect of sequence changes on RNA splicing suggest that this variant may disrupt the consensus splice site. This variant disrupts a region of the POLR1C protein in which other variant(s) (p.Tyr306Leufs*4) have been determined to be pathogenic (PMID: 30957429, 32042905). This suggests that this is a clinically significant region of the protein, and that variants that disrupt it are likely to be disease-causing. For these reasons, this variant has been classified as Pathogenic.

Literature cited by the submitters: PubMed 30957429; PubMed 32042905.

NM_203290.4(POLR1C):c.907C>T (p.Arg303Ter)

Gene: POLR1C (RNA polymerase I and III subunit C; plus strand). Cytogenetic location: 6p21.1.
Variant type: single nucleotide variant.
Coding change: c.907C>T on transcript NM_203290.4 (MANE Select); coding-DNA position 907, C replaced by T.
Protein change: p.Arg303Ter; replaces arginine 303 with a stop codon.
Molecular consequence: nonsense.
Genome position (GRCh38, 1-based): chr6:43,521,033, C>T. VCF-style: chr6-43521033-C-T. GRCh37 (hg19) VCF-style: chr6-43488771-C-T.
Other names: c.907C>T, p.Arg303Ter (NM_001318876.2, NM_001363658.2); short protein forms R303*.
Identifiers: ClinVar variation 4739192 (VCV004739192.1).
Genomic context (GRCh38, chr6:43,521,033, plus strand): 5'-TTCAGCAGAGAAATCTTCCGGAATGAGAAGCTAAAGAAGGTTGTGAGGCTTGCCCGGGTT[C>T]GAGATCATTATATCTGTGAGTATGAAGTGGTGAGATGAGTGGGCAGTGCTCTTTGGTGCT-3'